The following is an entry in ClinVar:

NM_000448.3(RAG1):c.705dup (p.Leu236fs)

Gene: RAG1 (recombination activating 1; plus strand). Cytogenetic location: 11p12.
Variant type: Duplication.
Coding change: c.705dup on transcript NM_000448.3 (MANE Select); coding-DNA position 705, one base duplicated (A; older notation c.705dupA).
Protein change: p.Leu236fs; shifts the reading frame from leucine 236.
Molecular consequence: frameshift variant.
Genome position (GRCh38, 1-based): chr11:36,574,009, A duplicated; the last of 6 consecutive A bases (chr11:36,574,004-36,574,009); duplicating any one gives the same sequence. VCF-style (leftmost placement, unchanged base first): chr11-36574003-C-CA. GRCh37 (hg19) VCF-style: chr11-36595553-C-CA.
Other names: c.705dup, p.Leu236fs (NM_001377277.1, NM_001377278.1, NM_001377279.1 and 1 more transcripts); short protein forms L236fs.
Identifiers: ClinVar variation 2432921 (VCV002432921.4), dbSNP rs764443382, ClinGen allele CA5950033.

ClinVar aggregate classification (germline): Pathogenic/Likely pathogenic. Review status: criteria provided, multiple submitters, no conflicts (2 of 4 stars). 2 submissions from 2 submitters: Pathogenic (1); Likely pathogenic (1). Last evaluated 2025-05-15.

Conditions:
Severe combined immunodeficiency, autosomal recessive, T cell-negative, B cell-negative, NK cell-positive. Also called: Severe combined immunodeficiency due to complete RAG1/2 deficiency; SCID, T CELL-NEGATIVE, B CELL-NEGATIVE, NK CELL-POSITIVE; SCID, AR, T-cell negative, B-cell negative, NK cell-positive. Identifiers: Orphanet 331206, MedGen C1832322, MONDO:0011086, OMIM 601457.
Combined immunodeficiency with skin granulomas. Identifiers: Orphanet 157949, MedGen C2673536, MONDO:0009306, OMIM 233650.

Submissions (2):

Labcorp Genetics (formerly Invitae), Labcorp
Classification: Pathogenic for Combined immunodeficiency with skin granulomas; Severe combined immunodeficiency, autosomal recessive, T cell-negative, B cell-negative, NK cell-positive. Last evaluated: 2025-05-15. Review status: criteria provided, single submitter. Criteria: Invitae Variant Classification Sherloc (09022015). Collection method: clinical testing. Allele origin: germline.
Comment: This sequence change creates a premature translational stop signal (p.Leu236Thrfs*6) in the RAG1 gene. While this is not anticipated to result in nonsense mediated decay, it is expected to disrupt the last 808 amino acid(s) of the RAG1 protein. This variant is present in population databases (rs764443382, gnomAD 0.006%). This variant has not been reported in the literature in individuals affected with RAG1-related conditions. ClinVar contains an entry for this variant (Variation ID: 2432921). This variant disrupts a region of the RAG1 protein in which other variant(s) (p.Arg314Trp) have been determined to be pathogenic (PMID: 18463379, 24290284, 32445296). This suggests that this is a clinically significant region of the protein, and that variants that disrupt it are likely to be disease-causing. For these reasons, this variant has been classified as Pathogenic.

Revvity Omics, Revvity
Classification: Likely pathogenic. Last evaluated: 2022-11-15. Review status: criteria provided, single submitter. Criteria: ACMG Guidelines, 2015. Collection method: clinical testing. Allele origin: germline.

Literature cited by the submitters: PubMed 18463379 (cited by Labcorp Genetics (formerly Invitae), Labcorp); PubMed 24290284 (cited by Labcorp Genetics (formerly Invitae), Labcorp); PubMed 32445296 (cited by Labcorp Genetics (formerly Invitae), Labcorp).